The following is an entry in ClinVar:

ClinVar aggregate classification (germline): Pathogenic (1 of 4 stars; one submission).

Conditions:
Ellis-van Creveld syndrome (EVC). Also called: MESOECTODERMAL DYSPLASIA; Chondroectodermal dysplasia. Identifiers: Orphanet 289, MedGen C0013903, MONDO:0009162, OMIM 225500.

Submission:

Myriad Genetics, Inc.
Classification: Pathogenic for Ellis-van Creveld syndrome. Last evaluated: 2025-10-09. Review status: criteria provided, single submitter. Criteria: Myriad Autosomal Dominant, Autosomal Recessive and X-Linked Classification Criteria (2023). Collection method: clinical testing. Allele origin: unknown.
Comment: NM_147127.4(EVC2):c.3289C>T(Q1097*) is expected to be pathogenic in the context of EVC2-related Ellis-van Creveld syndrome. This variant is predicted to lead to an abnormal or absent protein product due to the creation of a premature termination codon in EVC2, a gene where loss-of-function variants are known to be pathogenic. Please note: this variant was assessed in the context of healthy population screening.

NM_147127.5(EVC2):c.3289C>T (p.Gln1097Ter)

Gene: EVC2 (EvC ciliary complex subunit 2; minus strand). Cytogenetic location: 4p16.2.
Variant type: single nucleotide variant.
Coding change: c.3289C>T on transcript NM_147127.5 (MANE Select); coding-DNA position 3289, C replaced by T.
Protein change: p.Gln1097Ter; replaces glutamine 1097 with a stop codon.
Molecular consequence: nonsense.
Genome position (GRCh38, 1-based): chr4:5,574,756, G>A on the plus strand (C>T on the coding strand, the complement: EVC2 is on the minus strand). VCF-style: chr4-5574756-G-A. GRCh37 (hg19) VCF-style: chr4-5576483-G-A.
Other names: c.3049C>T, p.Gln1017Ter (NM_001166136.2); short protein forms Q1017*, Q1097*.
Identifiers: ClinVar variation 5015072 (VCV005015072.1).